The following is an entry in ClinVar:

NM_022072.5(NSUN3):c.173G>C (p.Arg58Pro)

Gene: NSUN3 (NOP2/Sun RNA methyltransferase 3; plus strand). Cytogenetic location: 3q11.2.
Variant type: single nucleotide variant.
Coding change: c.173G>C on transcript NM_022072.5 (MANE Select); coding-DNA position 173, G replaced by C.
Protein change: p.Arg58Pro; replaces arginine 58 with proline.
Molecular consequence: missense variant.
Genome position (GRCh38, 1-based): chr3:94,084,157, G>C. VCF-style: chr3-94084157-G-C. GRCh37 (hg19) VCF-style: chr3-93803001-G-C.
Other names: short protein forms R58P.
Identifiers: ClinVar variation 2788679 (VCV002788679.3), dbSNP rs1403294371, ClinGen allele CA353704321.
Genomic context (GRCh38, chr3:94,084,157, plus strand): 5'-CTATTTCTAGGGAGATACTAACATCTCCATCATGCTGGCAATATGCTGTCCTGCTTAACC[G>C]ATTCAATTATCCTTTTGAACTGGAAAAGGATTTACATTTGAAGGGCTATCACACACTCTC-3'
Protein context (NP_071355.1, residues 48-68): SCWQYAVLLN[Arg58Pro]FNYPFELEKD

ClinVar aggregate classification (germline): Uncertain significance (1 of 4 stars; one submission).

gnomAD v4.1: 4 of 1,613,884 alleles (0.00025%); highest among the groups gnomAD compares: Non-Finnish European, 0.00034%; no homozygotes.

Submission:

Labcorp Genetics (formerly Invitae), Labcorp
Classification: Uncertain significance. Last evaluated: 2023-02-03. Review status: criteria provided, single submitter. Criteria: Invitae Variant Classification Sherloc (09022015). Collection method: clinical testing. Allele origin: germline.
Comment: Algorithms developed to predict the effect of missense changes on protein structure and function are either unavailable or do not agree on the potential impact of this missense change (SIFT: "Tolerated"; PolyPhen-2: "Possibly Damaging"; Align-GVGD: "Class C0"). In summary, the available evidence is currently insufficient to determine the role of this variant in disease. Therefore, it has been classified as a Variant of Uncertain Significance. This sequence change replaces arginine, which is basic and polar, with proline, which is neutral and non-polar, at codon 58 of the NSUN3 protein (p.Arg58Pro). This variant is present in population databases (no rsID available, gnomAD 0.0009%). This variant has not been reported in the literature in individuals affected with NSUN3-related conditions.